The following is an entry in ClinVar:

NM_001197104.2(KMT2A):c.9961A>G (p.Thr3321Ala)

Gene: KMT2A (lysine methyltransferase 2A; plus strand). Cytogenetic location: 11q23.3.
Variant type: single nucleotide variant.
Coding change: c.9961A>G on transcript NM_001197104.2 (MANE Select); coding-DNA position 9961, A replaced by G.
Protein change: p.Thr3321Ala; replaces threonine 3321 with alanine.
Molecular consequence: missense variant.
Genome position (GRCh38, 1-based): chr11:118,505,853, A>G. VCF-style: chr11-118505853-A-G. GRCh37 (hg19) VCF-style: chr11-118376568-A-G.
Other names: c.9952A>G, p.Thr3318Ala (NM_005933.4); c.9961A>G (NM_001197104.1); short protein forms T3321A, T3318A.
Identifiers: ClinVar variation 1365441 (VCV001365441.10), dbSNP rs148598896, ClinGen allele CA6304663.
Genomic context (GRCh38, chr11:118,505,853, plus strand): 5'-CCGGCACCCCTGTTACCACAGAGTGTGGGAGGAACTGCTGCCACAGCGGCAGGCACATCA[A>G]CAATAAGCCAGGATACTAGCCACCTCACATCAGGGTCTGTGTCTGGCTTGGCATCCAGTT-3'
Protein context (NP_001184033.1, residues 3311-3331): GTAATAAGTS[Thr3321Ala]ISQDTSHLTS

ClinVar aggregate classification (germline): Conflicting classifications of pathogenicity. Review status: criteria provided, conflicting classifications (1 of 4 stars). 3 submissions from 3 submitters: Uncertain significance (2); Likely benign (1). Last evaluated 2026-09-04.

Conditions:
KMT2A-related disorder. Also called: KMT2A-related condition.

Allele frequency attached by ClinVar (database versions not stated): ExAC 0.00001; gnomAD exomes 0.00001; TOPMed 0.00003; gnomAD 0.00004 and 0.00005; ESP Exome Variant Server 0.00008.
gnomAD v4.1: 10 of 1,614,098 alleles (0.00062%); highest among the groups gnomAD compares: African/African-American, 0.011%; no homozygotes.

Submissions (3):

PreventionGenetics, part of Exact Sciences
Classification: Likely benign for KMT2A-related condition. Last evaluated: 2026-09-04. Review status: criteria provided, single submitter. Criteria: ACMG Guidelines, 2015. Collection method: clinical testing. Allele origin: germline.
Comment: This variant is classified as likely benign based on ACMG/AMP sequence variant interpretation guidelines (Richards et al. 2015 PMID: 25741868, with internal and published modifications).

Labcorp Genetics (formerly Invitae), Labcorp
Classification: Uncertain significance. Last evaluated: 2025-04-17. Review status: criteria provided, single submitter. Criteria: Invitae Variant Classification Sherloc (09022015). Collection method: clinical testing. Allele origin: germline.
Comment: This sequence change replaces threonine, which is neutral and polar, with alanine, which is neutral and non-polar, at codon 3321 of the KMT2A protein (p.Thr3321Ala). This variant is present in population databases (rs148598896, gnomAD 0.05%). This variant has not been reported in the literature in individuals affected with KMT2A-related conditions. ClinVar contains an entry for this variant (Variation ID: 1365441). Invitae Evidence Modeling of protein sequence and biophysical properties (such as structural, functional, and spatial information, amino acid conservation, physicochemical variation, residue mobility, and thermodynamic stability) indicates that this missense variant is not expected to disrupt KMT2A protein function with a negative predictive value of 95%. In summary, the available evidence is currently insufficient to determine the role of this variant in disease. Therefore, it has been classified as a Variant of Uncertain Significance.

Women's Health and Genetics/Laboratory Corporation of America, LabCorp
Classification: Uncertain significance. Last evaluated: 2024-09-17. Review status: criteria provided, single submitter. Criteria: LabCorp Variant Classification Summary - May 2015. Collection method: clinical testing. Allele origin: germline.
Comment: Variant summary: KMT2A c.9961A>G (p.Thr3321Ala) results in a non-conservative amino acid change in the encoded protein sequence. Four of five in-silico tools predict a benign effect of the variant on protein function. The variant was absent in 251454 control chromosomes. The available data on variant occurrences in the general population are insufficient to allow any conclusion about variant significance. To our knowledge, no occurrence of c.9961A>G in individuals affected with Wiedemann-Steiner Syndrome and no experimental evidence demonstrating its impact on protein function have been reported. ClinVar contains an entry for this variant (Variation ID: 1365441). Based on the evidence outlined above, the variant was classified as uncertain significance.